The following is an entry in ClinVar:

ClinVar aggregate classification (germline): Uncertain significance (1 of 4 stars; one submission).

Conditions:
Familial cancer of breast. Also called: hereditary breast carcinoma; BREAST CANCER, FAMILIAL; Hereditary breast cancer. Identifiers: Orphanet 227535, MedGen C0346153, MONDO:0016419, OMIM 114480. Disease mechanism: loss of function.

Submission:

Labcorp Genetics (formerly Invitae), Labcorp
Classification: Uncertain significance for Familial cancer of breast. Last evaluated: 2025-05-04. Review status: criteria provided, single submitter. Criteria: Invitae Variant Classification Sherloc (09022015). Collection method: clinical testing. Allele origin: germline.
Comment: This sequence change replaces asparagine, which is neutral and polar, with histidine, which is basic and polar, at codon 196 of the CHEK2 protein (p.Asn196His). This variant is not present in population databases (gnomAD no frequency). This variant has not been reported in the literature in individuals affected with CHEK2-related conditions. An algorithm developed to predict the effect of missense changes on protein structure and function (PolyPhen-2) suggests that this variant is likely to be tolerated. In summary, the available evidence is currently insufficient to determine the role of this variant in disease. Therefore, it has been classified as a Variant of Uncertain Significance.

NM_007194.4(CHEK2):c.586A>C (p.Asn196His)

Gene: CHEK2 (checkpoint kinase 2; minus strand). Cytogenetic location: 22q12.1.
Variant type: single nucleotide variant.
Coding change: c.586A>C on transcript NM_007194.4 (MANE Select); coding-DNA position 586, A replaced by C.
Protein change: p.Asn196His; replaces asparagine 196 with histidine.
Molecular consequence: missense variant. On other transcripts: 5 prime UTR variant (2), intron variant (1).
Genome position (GRCh38, 1-based): chr22:28,724,983, T>G on the plus strand (A>C on the coding strand, the complement: CHEK2 is on the minus strand). VCF-style: chr22-28724983-T-G. GRCh37 (hg19) VCF-style: chr22-29120971-T-G.
Other names: c.715A>C, p.Asn239His (NM_001005735.3, NM_001438294.1); c.-192A>C (NM_001257387.3); c.-78A>C (NM_001437942.1); c.679A>C, p.Asn227His (NM_001438293.1, NM_001438295.1); c.586A>C, p.Asn196His (NM_145862.3); c.445-60A>C (NM_001349956.3); short protein forms N196H, N227H, N239H.
Identifiers: ClinVar variation 4718867 (VCV004718867.1).